The following is an entry in ClinVar:

ClinVar aggregate classification (germline): Benign/Likely benign. Review status: criteria provided, multiple submitters, no conflicts (2 of 4 stars). 5 submissions from 5 submitters: Benign (2); Likely benign (3). Last evaluated 2025-12-20.

Conditions:
Hereditary cancer-predisposing syndrome. Also called: Tumor predisposition; Hereditary neoplastic syndrome; Neoplastic Syndromes, Hereditary; Hereditary Cancer Syndrome. Identifiers: Orphanet 140162, MedGen C0027672, MeSH D009386, MONDO:0015356.
Tuberous sclerosis 2 (TSC2). Identifiers: Orphanet 805, MedGen C1860707, MONDO:0013199, OMIM 613254.

Allele frequency attached by ClinVar (database versions not stated): gnomAD 0.00001; gnomAD exomes 0.00001; TOPMed 0.00001.
gnomAD v4.1: 14 of 1,612,382 alleles (0.00087%); highest among the groups gnomAD compares: South Asian, 0.0033%; no homozygotes.

Submissions (5):

Labcorp Genetics (formerly Invitae), Labcorp
Classification: Likely benign for Tuberous sclerosis 2. Last evaluated: 2025-12-20. Review status: criteria provided, single submitter. Criteria: Invitae Variant Classification Sherloc (09022015). Collection method: clinical testing. Allele origin: germline.

Myriad Genetics, Inc.
Classification: Benign for Tuberous sclerosis 2. Last evaluated: 2025-05-30. Review status: criteria provided, single submitter. Criteria: Myriad Autosomal Dominant, Autosomal Recessive and X-Linked Classification Criteria (2023). Collection method: clinical testing. Allele origin: unknown.
Comment: This variant is considered benign. This variant is a silent/synonymous amino acid change and it is not expected to impact splicing.

Blueprint Genetics
Classification: Likely benign. Last evaluated: 2023-03-16. Review status: criteria provided, single submitter. Criteria: ACMG Guidelines, 2015. Collection method: clinical testing. Allele origin: germline.

Genome-Nilou Lab
Classification: Benign for Tuberous sclerosis 2. Last evaluated: 2021-11-07. Review status: criteria provided, single submitter. Criteria: ACMG Guidelines, 2015. Collection method: clinical testing. Allele origin: germline. Affected: no.

Ambry Genetics
Classification: Likely benign for Hereditary cancer-predisposing syndrome. Last evaluated: 2018-01-08. Review status: criteria provided, single submitter. Criteria: Ambry Variant Classification Scheme 2023. Collection method: clinical testing. Allele origin: germline.

NM_000548.5(TSC2):c.3843C>T (p.Ser1281=)

Gene: TSC2 (TSC complex subunit 2; plus strand). Cytogenetic location: 16p13.3.
Variant type: single nucleotide variant.
Coding change: c.3843C>T on transcript NM_000548.5 (MANE Select); coding-DNA position 3843, C replaced by T.
Protein change: p.Ser1281=; no amino-acid change (serine 1281 retained).
Molecular consequence: synonymous variant. On other transcripts: intron variant (6).
Genome position (GRCh38, 1-based): chr16:2,082,464, C>T. VCF-style: chr16-2082464-C-T. GRCh37 (hg19) VCF-style: chr16-2132465-C-T.
Other names: c.3111C>T, p.Ser1037= (NM_001318831.2); c.3711C>T, p.Ser1237= (NM_001370404.1); c.3714C>T, p.Ser1238= (NM_001370405.1, NM_021055.3); c.3814+666C>T (NM_001114382.3); c.3685+666C>T (NM_001363528.2); c.3682+666C>T (NM_001077183.3); c.3574+666C>T (NM_001318827.2); c.3538+666C>T (NM_001318829.2); and 1 more.
Identifiers: ClinVar variation 766864 (VCV000766864.19), dbSNP rs1223688571, ClinGen allele CA492955745.